The following is an entry in ClinVar:

ClinVar aggregate classification (germline): Pathogenic (1 of 4 stars; one submission).

Conditions:
Tuberous sclerosis syndrome (TSC). Also called: Tuberous sclerosis; Tuberous Sclerosis Complex. Identifiers: Orphanet 805, MedGen C0041341, MONDO:0001734.

Submission:

Molecular Genetics, Royal Melbourne Hospital
Classification: Pathogenic for Tuberous sclerosis syndrome. Last evaluated: 2024-03-01. Review status: criteria provided, single submitter. Criteria: ACMG Guidelines, 2015. Collection method: clinical testing. Allele origin: germline. Inheritance: Autosomal dominant inheritance. Affected: yes.
Comment: This sequence change in TSC2 is a frameshift variant predicted to cause a premature stop codon, p.(Ala1110Glyfs*58), in biologically relevant exon 30/42 leading to nonsense-mediated decay in a gene in which loss-of-function is an established disease mechanism. This variant is absent from the population database gnomAD v4.0. To our knowledge, this variant is novel and has not been previously reported in the relevant scientific literature or databases. Based on the classification scheme RMH Modified ACMG/AMP Guidelines v1.6.1, this variant is classified as PATHOGENIC. Following criteria are met: PVS1, PM2_Supporting, PS4_Supporting.

NM_000548.5(TSC2):c.3326dup (p.Ala1110fs)

Gene: TSC2 (TSC complex subunit 2; plus strand). Cytogenetic location: 16p13.3.
Variant type: Duplication.
Coding change: c.3326dup on transcript NM_000548.5 (MANE Select); coding-DNA position 3326, one base duplicated (C; older notation c.3326dupC).
Protein change: p.Ala1110fs; shifts the reading frame from alanine 1110.
Molecular consequence: frameshift variant. On other transcripts: non-coding transcript variant (5).
Genome position (GRCh38, 1-based): chr16:2,079,598, C duplicated; the last of 2 consecutive C bases (chr16:2,079,597-2,079,598); duplicating either gives the same sequence. VCF-style (leftmost placement, unchanged base first): chr16-2079596-G-GC. GRCh37 (hg19) VCF-style: chr16-2129597-G-GC.
Other names: c.1850dup, p.Ala618fs (NM_001406697.1, NM_001406691.1, NM_001406695.1 and 1 more transcripts); c.1592dup, p.Ala532fs (NM_001406698.1); c.3197dup, p.Ala1067fs (NM_021055.3, NM_001370405.1, NM_001363528.2); c.3137dup, p.Ala1047fs (NM_001406677.1); c.3083dup, p.Ala1029fs (NM_001406678.1); c.3047dup, p.Ala1017fs (NM_001406679.1); c.2726dup, p.Ala910fs (NM_001406680.1, NM_001406682.1, NM_001406683.1); c.2735dup, p.Ala913fs (NM_001406681.1); and 19 more; short protein forms A1017fs, A1018fs, A1029fs, A1030fs, A1047fs, A1060fs, A1061fs, A1062fs.
Identifiers: ClinVar variation 3068623 (VCV003068623.1), dbSNP rs2544067323, ClinGen allele CA2739317448.